The following is an entry in ClinVar:

ClinVar aggregate classification (germline): Uncertain significance (1 of 4 stars; one submission).

Allele frequency attached by ClinVar (database versions not stated): 1000 Genomes Project 30x 0.00016; 1000 Genomes Project 0.00020.
gnomAD v4.1: 34 of 1,614,046 alleles (0.0021%); highest among the groups gnomAD compares: East Asian, 0.06%; no homozygotes.

Submission:

Labcorp Genetics (formerly Invitae), Labcorp
Classification: Uncertain significance. Last evaluated: 2022-08-04. Review status: criteria provided, single submitter. Criteria: Invitae Variant Classification Sherloc (09022015). Collection method: clinical testing. Allele origin: germline.
Comment: This sequence change replaces arginine, which is basic and polar, with cysteine, which is neutral and slightly polar, at codon 108 of the HPS5 protein (p.Arg108Cys). This variant is present in population databases (rs201474405, gnomAD 0.2%). This variant has not been reported in the literature in individuals affected with HPS5-related conditions. ClinVar contains an entry for this variant (Variation ID: 1450893). Algorithms developed to predict the effect of missense changes on protein structure and function are either unavailable or do not agree on the potential impact of this missense change (SIFT: "Deleterious"; PolyPhen-2: "Probably Damaging"; Align-GVGD: "Class C0"). In summary, the available evidence is currently insufficient to determine the role of this variant in disease. Therefore, it has been classified as a Variant of Uncertain Significance.

NM_181507.2(HPS5):c.322C>T (p.Arg108Cys)

Genes: HPS5 (HPS5 biogenesis of lysosomal organelles complex 2 subunit 2; minus strand), LOC130005404 (ATAC-STARR-seq lymphoblastoid active region 4495; plus strand). Cytogenetic location: 11p15.1.
Variant type: single nucleotide variant.
Coding change: c.322C>T on transcript NM_181507.2 (MANE Select); coding-DNA position 322, C replaced by T.
Protein change: p.Arg108Cys; replaces arginine 108 with cysteine.
Molecular consequence: missense variant. On other transcripts: 5 prime UTR variant (1).
Genome position (GRCh38, 1-based): chr11:18,310,896, G>A on the plus strand (C>T on the coding strand, the complement: HPS5 is on the minus strand). VCF-style: chr11-18310896-G-A. GRCh37 (hg19) VCF-style: chr11-18332443-G-A.
Other names: c.-21C>T (NM_007216.4, NM_181508.2); short protein forms R108C.
Identifiers: ClinVar variation 1450893 (VCV001450893.5), dbSNP rs201474405, ClinGen allele CA5910463.